The following is an entry in ClinVar:

ClinVar aggregate classification (germline): Likely pathogenic. Review status: criteria provided, multiple submitters, no conflicts (2 of 4 stars). 2 submissions from 2 submitters: Likely pathogenic (2). Last evaluated 2023-05-23.

Conditions:
Hereditary cancer-predisposing syndrome. Also called: Neoplastic Syndromes, Hereditary; Tumor predisposition; Hereditary Cancer Syndrome; Hereditary neoplastic syndrome. Identifiers: Orphanet 140162, MedGen C0027672, MeSH D009386, MONDO:0015356.
Familial cancer of breast. Also called: BREAST CANCER, FAMILIAL; Hereditary breast cancer; hereditary breast carcinoma. Identifiers: Orphanet 227535, MedGen C0346153, MONDO:0016419, OMIM 114480. Disease mechanism: loss of function.

Submissions (2):

Myriad Genetics, Inc.
Classification: Likely pathogenic for Familial cancer of breast. Last evaluated: 2023-05-23. Review status: criteria provided, single submitter. Criteria: Myriad Autosomal Dominant, Autosomal Recessive and X-Linked Classification Criteria (2023). Collection method: clinical testing. Allele origin: unknown.
Comment: This variant is considered likely pathogenic. This variant occurs within a consensus splice junction and is predicted to result in abnormal mRNA splicing of either an out-of-frame exon or an in-frame exon necessary for protein stability and/or normal function.

Ambry Genetics
Classification: Likely pathogenic for Hereditary cancer-predisposing syndrome. Last evaluated: 2018-01-03. Review status: criteria provided, single submitter. Criteria: Ambry Variant Classification Scheme 2023. Collection method: clinical testing. Allele origin: germline.
Comment: The c.1677+2T>A intronic variant results from a T to A substitution two nucleotides after coding exon 7 in the BARD1 gene. This nucleotide position is highly conserved in available vertebrate species. Using the BDGP and ESEfinder splice site prediction tools, this alteration is predicted to abolish the native splice donor site; however, direct evidence is unavailable. Alterations that disrupt the canonical splice site are expected to cause aberrant splicing, resulting in an abnormal protein or a transcript that is subject to nonsense-mediated mRNA decay. As such, this alteration is classified as likely pathogenic.

NM_000465.4(BARD1):c.1677+2T>A

Gene: BARD1 (BRCA1 associated RING domain 1; minus strand). Cytogenetic location: 2q35.
Variant type: single nucleotide variant.
Coding change: c.1677+2T>A on transcript NM_000465.4 (MANE Select); the canonical splice donor site of the intron after coding-DNA position 1677, T replaced by A.
Molecular consequence: splice donor variant. On other transcripts: intron variant (1).
Genome position (GRCh38, 1-based): chr2:214,752,445, A>T on the plus strand (T>A on the coding strand, the complement: BARD1 is on the minus strand). VCF-style: chr2-214752445-A-T. GRCh37 (hg19) VCF-style: chr2-215617169-A-T.
Other names: c.267+2T>A (NM_001282548.2); c.1620+2T>A (NM_001282543.2); c.324+2T>A (NM_001282545.2); c.365-21937T>A (NM_001282549.2).
Identifiers: ClinVar variation 1777802 (VCV001777802.4), dbSNP rs2469377325, ClinGen allele CA350454489.
Genomic context (GRCh38, chr2:214,752,445, plus strand): 5'-GTTCCTTTCATAACCAATTTTAATAAAATATATAAATGTCCCAAAGCTAAATCCATACTT[A>T]CTACTGAGCAGTGGCTAGCTGAGGATGATTCATTCTTCTCTGGTAGCAGCAATAGCGATT-3'